The following is an entry in ClinVar:

NM_020937.4(FANCM):c.4744C>G (p.His1582Asp)

Gene: FANCM (FA complementation group M; plus strand). Cytogenetic location: 14q21.2.
Variant type: single nucleotide variant.
Coding change: c.4744C>G on transcript NM_020937.4 (MANE Select); coding-DNA position 4744, C replaced by G.
Protein change: p.His1582Asp; replaces histidine 1582 with aspartic acid.
Molecular consequence: missense variant.
Genome position (GRCh38, 1-based): chr14:45,187,852, C>G. VCF-style: chr14-45187852-C-G. GRCh37 (hg19) VCF-style: chr14-45657055-C-G.
Other names: c.4666C>G, p.His1556Asp (NM_001308133.2); short protein forms H1556D, H1582D.
Identifiers: ClinVar variation 4254633 (VCV004254633.1).

ClinVar aggregate classification (germline): Uncertain significance (1 of 4 stars; one submission).

Conditions:
Inborn genetic diseases. Identifiers: MedGen C0950123, MeSH D030342.

gnomAD v4.1: 1 of 1,553,056 alleles (0.000064%); highest among the groups gnomAD compares: Non-Finnish European, 0.000089%; no homozygotes.

Submission:

Ambry Genetics
Classification: Uncertain significance for Inborn genetic diseases. Last evaluated: 2025-08-01. Review status: criteria provided, single submitter. Criteria: Ambry Variant Classification Scheme 2023. Collection method: clinical testing. Allele origin: germline.
Comment: The p.H1582D variant (also known as c.4744C>G), located in coding exon 19 of the FANCM gene, results from a C to G substitution at nucleotide position 4744. The histidine at codon 1582 is replaced by aspartic acid, an amino acid with similar properties. This amino acid position is conserved. In addition, this alteration is predicted to be tolerated by in silico analysis. Based on the available evidence, the clinical significance of this variant remains unclear.